The following is an entry in ClinVar:

ClinVar aggregate classification (germline): Uncertain significance (1 of 4 stars; one submission).

Allele frequency attached by ClinVar (database versions not stated): gnomAD exomes below 0.00001.
gnomAD v4.1: 13 of 1,613,614 alleles (0.00081%); highest among the groups gnomAD compares: African/African-American, 0.0027%; no homozygotes.

Submission:

Labcorp Genetics (formerly Invitae), Labcorp
Classification: Uncertain significance. Last evaluated: 2022-07-13. Review status: criteria provided, single submitter. Criteria: Invitae Variant Classification Sherloc (09022015). Collection method: clinical testing. Allele origin: germline.
Comment: In summary, the available evidence is currently insufficient to determine the role of this variant in disease. Therefore, it has been classified as a Variant of Uncertain Significance. Algorithms developed to predict the effect of missense changes on protein structure and function are either unavailable or do not agree on the potential impact of this missense change (SIFT: "Tolerated"; PolyPhen-2: "Probably Damaging"; Align-GVGD: "Class C0"). This variant has not been reported in the literature in individuals affected with MATN3-related conditions. This variant is not present in population databases (gnomAD no frequency). This sequence change replaces leucine, which is neutral and non-polar, with methionine, which is neutral and non-polar, at codon 339 of the MATN3 protein (p.Leu339Met).

NM_002381.5(MATN3):c.1015T>A (p.Leu339Met)

Genes: MATN3 (matrilin 3; minus strand), WDR35-DT (WDR35 divergent transcript; plus strand). Cytogenetic location: 2p24.1.
Variant type: single nucleotide variant.
Coding change: c.1015T>A on transcript NM_002381.5 (MANE Select); coding-DNA position 1015, T replaced by A.
Protein change: p.Leu339Met; replaces leucine 339 with methionine.
Molecular consequence: missense variant.
Genome position (GRCh38, 1-based): chr2:20,001,982, A>T on the plus strand (T>A on the coding strand, the complement: MATN3 is on the minus strand). VCF-style: chr2-20001982-A-T. GRCh37 (hg19) VCF-style: chr2-20201743-A-T.
Other names: short protein forms L339M.
Identifiers: ClinVar variation 1902581 (VCV001902581.5), dbSNP rs1572383491, ClinGen allele CA345949821.